The following is an entry in ClinVar:

ClinVar aggregate classification (germline): Pathogenic/Likely pathogenic. Review status: criteria provided, multiple submitters, no conflicts (2 of 4 stars). 2 submissions from 2 submitters: Pathogenic (1); Likely pathogenic (1). Last evaluated 2025-10-15.

Conditions:
Mitochondrial complex IV deficiency, nuclear type 4. Also called: Mitochondrial complex 4 deficiency, nuclear type 4. Identifiers: MedGen C5436683, MONDO:0033636, OMIM 619048.

gnomAD v4.1: 8 of 1,566,552 alleles (0.00051%); highest among the groups gnomAD compares: African/African-American, 0.011%; no homozygotes.

Submissions (2):

Women's Health and Genetics/Laboratory Corporation of America, LabCorp
Classification: Pathogenic for Mitochondrial complex IV deficiency, nuclear type 4. Last evaluated: 2025-10-15. Review status: criteria provided, single submitter. Criteria: LabCorp Variant Classification Summary - May 2015. Collection method: clinical testing. Allele origin: germline.
Comment: Variant summary: SCO1 c.227G>A (p.Trp76X) results in a premature termination codon, predicted to cause a truncation of the encoded protein or absence of the protein due to nonsense mediated decay, which are commonly known mechanisms for disease. The variant allele was found at a frequency of 1.2e-05 in 172410 control chromosomes (gnomAD). To our knowledge, no occurrence of c.227G>A in individuals affected with SCO1-related conditions and no experimental evidence demonstrating its impact on protein function have been reported. ClinVar contains an entry for this variant (Variation ID: 3581628). Based on the evidence outlined above, the variant was classified as pathogenic.

Fulgent Genetics
Classification: Likely pathogenic for Mitochondrial complex IV deficiency, nuclear type 4. Last evaluated: 2024-03-20. Review status: criteria provided, single submitter. Criteria: ACMG Guidelines, 2015. Collection method: clinical testing. Allele origin: germline.

NM_004589.4(SCO1):c.227G>A (p.Trp76Ter)

Gene: SCO1 (synthesis of cytochrome C oxidase 1; minus strand). Cytogenetic location: 17p13.1.
Variant type: single nucleotide variant.
Coding change: c.227G>A on transcript NM_004589.4 (MANE Select); coding-DNA position 227, G replaced by A.
Protein change: p.Trp76Ter; replaces tryptophan 76 with a stop codon.
Molecular consequence: nonsense.
Genome position (GRCh38, 1-based): chr17:10,697,281, C>T on the plus strand (G>A on the coding strand, the complement: SCO1 is on the minus strand). VCF-style: chr17-10697281-C-T. GRCh37 (hg19) VCF-style: chr17-10600598-C-T.
Other names: short protein forms W76*.
Identifiers: ClinVar variation 3581628 (VCV003581628.2).
Genomic context (GRCh38, chr17:10,697,281, plus strand): 5'-AGGTGTGCACTCACCCCGGGCTTCGAGGGGCGCGTGGAGTCTCCGGGGCCCTTCTGCGAC[C>T]ACGGGGGTGGCGGCCTCGCAGTGCTGAGGGGCCGGGTTCCCAGGCAATAGCCAGGGCGCC-3'